The following is an entry in ClinVar:

NM_006206.6(PDGFRA):c.779T>G (p.Met260Arg)

Gene: PDGFRA (platelet derived growth factor receptor alpha; plus strand). Cytogenetic location: 4q12.
Variant type: single nucleotide variant.
Coding change: c.779T>G on transcript NM_006206.6 (MANE Select); coding-DNA position 779, T replaced by G.
Protein change: p.Met260Arg; replaces methionine 260 with arginine.
Molecular consequence: missense variant.
Genome position (GRCh38, 1-based): chr4:54,267,308, T>G. VCF-style: chr4-54267308-T-G. GRCh37 (hg19) VCF-style: chr4-55133475-T-G.
Other names: c.779T>G, p.Met260Arg (NM_001347827.2, NM_001347829.2); c.854T>G, p.Met285Arg (NM_001347828.2); c.818T>G, p.Met273Arg (NM_001347830.2); short protein forms M285R, M260R, M273R.
Identifiers: ClinVar variation 650569 (VCV000650569.9), dbSNP rs1412240615, ClinGen allele CA356891089.
Genomic context (GRCh38, chr4:54,267,308, plus strand): 5'-CGAGCTTTTTAAAAGTCGGTTTTCTTCCCCTTTTGCTGTAGAAAGGCAAAGGCATCACAA[T>G]GCTGGAAGAAATCAAAGTCCCATCCATCAAATTGGTGTACACTTTGACGGTCCCCGAGGC-3'
Protein context (NP_006197.1, residues 250-270): PGEVKGKGIT[Met260Arg]LEEIKVPSIK

ClinVar aggregate classification (germline): Conflicting classifications of pathogenicity. Review status: criteria provided, conflicting classifications (1 of 4 stars). 2 submissions from 2 submitters: Uncertain significance (1); Likely benign (1). Last evaluated 2025-12-03.

Conditions:
Hereditary cancer-predisposing syndrome. Also called: Neoplastic Syndromes, Hereditary; Tumor predisposition; Hereditary Cancer Syndrome; Hereditary neoplastic syndrome. Identifiers: Orphanet 140162, MedGen C0027672, MeSH D009386, MONDO:0015356.
Gastrointestinal stromal tumor. Also called: Gastrointestinal stromal tumor, somatic; Gastrointestinal stroma tumor. Identifiers: Orphanet 44890, MedGen C0238198, MeSH D046152, MONDO:0011719, OMIM 606764, HP:0100723.

Allele frequency attached by ClinVar (database versions not stated): gnomAD exomes below 0.00001.
gnomAD v4.1: 1 of 1,614,120 alleles (0.000062%); highest among the groups gnomAD compares: Non-Finnish European, 0.000085%; no homozygotes.

Submissions (2):

Ambry Genetics
Classification: Likely benign for Hereditary cancer-predisposing syndrome. Last evaluated: 2025-12-03. Review status: criteria provided, single submitter. Criteria: Ambry Variant Classification Scheme 2023. Collection method: clinical testing. Allele origin: germline.

Labcorp Genetics (formerly Invitae), Labcorp
Classification: Uncertain significance for Gastrointestinal stromal tumor. Last evaluated: 2024-01-31. Review status: criteria provided, single submitter. Criteria: Invitae Variant Classification Sherloc (09022015). Collection method: clinical testing. Allele origin: germline.
Comment: This sequence change replaces methionine, which is neutral and non-polar, with arginine, which is basic and polar, at codon 260 of the PDGFRA protein (p.Met260Arg). This variant is present in population databases (no rsID available, gnomAD 0.0009%). This variant has not been reported in the literature in individuals affected with PDGFRA-related conditions. ClinVar contains an entry for this variant (Variation ID: 650569). Advanced modeling of protein sequence and biophysical properties (such as structural, functional, and spatial information, amino acid conservation, physicochemical variation, residue mobility, and thermodynamic stability) performed at Invitae indicates that this missense variant is not expected to disrupt PDGFRA protein function with a negative predictive value of 80%. In summary, the available evidence is currently insufficient to determine the role of this variant in disease. Therefore, it has been classified as a Variant of Uncertain Significance.